The following is an entry in ClinVar:

ClinVar aggregate classification (germline): Uncertain significance (1 of 4 stars; one submission).

Submission:

GeneDx
Classification: Uncertain significance. Last evaluated: 2026-01-27. Review status: criteria provided, single submitter. Criteria: GeneDx Variant Classification Process June 2021. Collection method: clinical testing. Allele origin: germline.
Comment: Not observed at significant frequency in large population cohorts (gnomAD); In silico analysis supports that this missense variant has a deleterious effect on protein structure/function; Has not been previously published as pathogenic or benign to our knowledge

NM_001287491.2(TET3):c.3333T>A (p.His1111Gln)

Gene: TET3 (tet methylcytosine dioxygenase 3; plus strand). Cytogenetic location: 2p13.1.
Variant type: single nucleotide variant.
Coding change: c.3333T>A on transcript NM_001287491.2 (MANE Select); coding-DNA position 3333, T replaced by A.
Protein change: p.His1111Gln; replaces histidine 1111 with glutamine.
Molecular consequence: missense variant.
Genome position (GRCh38, 1-based): chr2:74,099,341, T>A. VCF-style: chr2-74099341-T-A. GRCh37 (hg19) VCF-style: chr2-74326468-T-A.
Other names: c.3054T>A, p.His1018Gln (NM_001366022.1); short protein forms H1018Q, H1111Q.
Identifiers: ClinVar variation 4975719 (VCV004975719.1).